The following is an entry in ClinVar:

ClinVar aggregate classification (germline): Uncertain significance (1 of 4 stars; one submission).

Conditions:
Early-infantile DEE. Also called: Early infantile epileptic encephalopathy; Early infantile epileptic encephalopathy with suppression bursts; Ohtahara syndrome. Identifiers: Orphanet 1934, MedGen C0393706, MONDO:0800491.

Submission:

Labcorp Genetics (formerly Invitae), Labcorp
Classification: Uncertain significance for Early-infantile DEE. Last evaluated: 2022-12-01. Review status: criteria provided, single submitter. Criteria: Invitae Variant Classification Sherloc (09022015). Collection method: clinical testing. Allele origin: germline.
Comment: In summary, the available evidence is currently insufficient to determine the role of this variant in disease. Therefore, it has been classified as a Variant of Uncertain Significance. Advanced modeling of protein sequence and biophysical properties (such as structural, functional, and spatial information, amino acid conservation, physicochemical variation, residue mobility, and thermodynamic stability) has been performed at Invitae for this missense variant, however the output from this modeling did not meet the statistical confidence thresholds required to predict the impact of this variant on SCN8A protein function. This variant has not been reported in the literature in individuals affected with SCN8A-related conditions. This variant is not present in population databases (gnomAD no frequency). This sequence change replaces glycine, which is neutral and non-polar, with serine, which is neutral and polar, at codon 647 of the SCN8A protein (p.Gly647Ser).

NM_001330260.2(SCN8A):c.1939G>A (p.Gly647Ser)

Gene: SCN8A (sodium voltage-gated channel alpha subunit 8; plus strand). Cytogenetic location: 12q13.13.
Variant type: single nucleotide variant.
Coding change: c.1939G>A on transcript NM_001330260.2 (MANE Select); coding-DNA position 1939, G replaced by A.
Protein change: p.Gly647Ser; replaces glycine 647 with serine.
Molecular consequence: missense variant.
Genome position (GRCh38, 1-based): chr12:51,721,849, G>A. VCF-style: chr12-51721849-G-A. GRCh37 (hg19) VCF-style: chr12-52115633-G-A.
Other names: c.1939G>A, p.Gly647Ser (NM_001177984.3, NM_001369788.1, NM_014191.4); short protein forms G647S.
Identifiers: ClinVar variation 2812248 (VCV002812248.3), dbSNP rs2540204470, ClinGen allele CA385229902.